The following is an entry in ClinVar:

NM_000059.4(BRCA2):c.9200C>T (p.Pro3067Leu)

Gene: BRCA2 (BRCA2 DNA repair associated; plus strand). Cytogenetic location: 13q13.1.
Variant type: single nucleotide variant.
Coding change: c.9200C>T on transcript NM_000059.4 (MANE Select); coding-DNA position 9200, C replaced by T.
Protein change: p.Pro3067Leu; replaces proline 3067 with leucine.
Molecular consequence: missense variant.
Genome position (GRCh38, 1-based): chr13:32,380,089, C>T. VCF-style: chr13-32380089-C-T. GRCh37 (hg19) VCF-style: chr13-32954226-C-T.
Other names: c.9104C>T, p.Pro3035Leu (NM_001406719.1); c.9149C>T, p.Pro3050Leu (NM_001406720.1); c.4268C>T, p.Pro1423Leu (NM_001406721.1); c.2783C>T, p.Pro928Leu (NM_001406722.1); short protein forms P3050L, P1423L, P3067L, P928L, P3035L.
Identifiers: ClinVar variation 2015865 (VCV002015865.4), dbSNP rs2137625318, ClinGen allele CA387758274.

ClinVar aggregate classification (germline): Uncertain significance (1 of 4 stars; one submission).

Conditions:
Hereditary breast ovarian cancer syndrome. Also called: Hereditary breast and/or ovarian cancer syndrome; Hereditary breast and ovarian cancer syndrome; BRCA1- and BRCA2-Associated Hereditary Breast and Ovarian Cancer; Breast and ovarian cancer; Hereditary breast and ovarian cancer; Hereditary breast and ovarian cancer syndrome (HBOC). Identifiers: Orphanet 145, MedGen C0677776, MeSH D061325, MONDO:0003582. Disease mechanism: loss of function.

Submission:

Labcorp Genetics (formerly Invitae), Labcorp
Classification: Uncertain significance for Hereditary breast ovarian cancer syndrome. Last evaluated: 2025-06-30. Review status: criteria provided, single submitter. Criteria: Invitae Variant Classification Sherloc (09022015). Collection method: clinical testing. Allele origin: germline.
Comment: This sequence change replaces proline, which is neutral and non-polar, with leucine, which is neutral and non-polar, at codon 3067 of the BRCA2 protein (p.Pro3067Leu). This variant is not present in population databases (gnomAD no frequency). This variant has not been reported in the literature in individuals affected with BRCA2-related conditions. ClinVar contains an entry for this variant (Variation ID: 2015865). Invitae Evidence Modeling of protein sequence and biophysical properties (such as structural, functional, and spatial information, amino acid conservation, physicochemical variation, residue mobility, and thermodynamic stability) indicates that this missense variant is not expected to disrupt BRCA2 protein function with a negative predictive value of 95%. In summary, the available evidence is currently insufficient to determine the role of this variant in disease. Therefore, it has been classified as a Variant of Uncertain Significance.